The following is an entry in ClinVar:

ClinVar aggregate classification (germline): Benign (0 of 4 stars; one submission).

Conditions:
PDZD2-related disorder. Also called: PDZD2-related condition.

Allele frequency attached by ClinVar (database versions not stated): 1000 Genomes Project 0.01398; 1000 Genomes Project 30x 0.01421; TOPMed 0.02495; gnomAD 0.02511; ExAC 0.02812; ESP Exome Variant Server 0.02883; gnomAD exomes 0.03609.
gnomAD v4.1: 56,242 of 1,613,632 alleles (3.5%); highest among the groups gnomAD compares: Non-Finnish European, 4.2%; 1,152 homozygotes.

Submission:

PreventionGenetics, part of Exact Sciences
Classification: Benign for PDZD2-related condition. Last evaluated: 2019-02-19. Review status: no assertion criteria provided. Collection method: clinical testing. Allele origin: germline.
Comment: This variant is classified as benign based on ACMG/AMP sequence variant interpretation guidelines (Richards et al. 2015 PMID: 25741868, with internal and published modifications).

NM_178140.4(PDZD2):c.3772C>A (p.Gln1258Lys)

Gene: PDZD2 (PDZ domain containing 2; plus strand). Cytogenetic location: 5p13.3.
Variant type: single nucleotide variant.
Coding change: c.3772C>A on transcript NM_178140.4 (MANE Select); coding-DNA position 3772, C replaced by A.
Protein change: p.Gln1258Lys; replaces glutamine 1258 with lysine.
Molecular consequence: missense variant.
Genome position (GRCh38, 1-based): chr5:32,087,220, C>A. VCF-style: chr5-32087220-C-A. GRCh37 (hg19) VCF-style: chr5-32087326-C-A.
Other names: short protein forms Q1258K.
Identifiers: ClinVar variation 3056789 (VCV003056789.2), dbSNP rs3101878, ClinGen allele CA3219580.